The following is an entry in ClinVar:

ClinVar aggregate classification (germline): Uncertain significance (1 of 4 stars; one submission).

Conditions:
PCSK1-related disorder. Also called: PCSK1-related condition.

gnomAD v4.1: 1 of 1,614,082 alleles (0.000062%); highest among the groups gnomAD compares: Admixed American, 0.0017%; no homozygotes.

Submission:

PreventionGenetics, part of Exact Sciences
Classification: Uncertain significance for PCSK1-related condition. Last evaluated: 2026-05-01. Review status: criteria provided, single submitter. Criteria: ACMG Guidelines, 2015. Collection method: clinical testing. Allele origin: germline.
Comment: The PCSK1 c.1162G>A variant is predicted to result in the amino acid substitution p.Ala388Thr. This variant was observed in a cohort of obese individuals, and in vitro functional studies show moderate evidence of loss of function (Supplemental Data Set, Shah et al. 2023. PubMed ID: 36864747). This variant is absent in a large population database (gnomAD), indicating it is rare. Although we suspect that this variant may be pathogenic, at this time, the clinical significance of this variant is uncertain due to the absence of conclusive functional and genetic evidence.

NM_000439.5(PCSK1):c.1162G>A (p.Ala388Thr)

Genes: CAST (calpastatin; plus strand), PCSK1 (proprotein convertase subtilisin/kexin type 1; minus strand), LOC101929710 (uncharacterized LOC101929710; plus strand). Cytogenetic location: 5q15.
Variant type: single nucleotide variant.
Coding change: c.1162G>A on transcript NM_000439.5 (MANE Select); coding-DNA position 1162, G replaced by A.
Protein change: p.Ala388Thr; replaces alanine 388 with threonine.
Molecular consequence: missense variant. On other transcripts: intron variant (11).
Genome position (GRCh38, 1-based): chr5:96,408,257, C>T on the plus strand (G>A on the coding strand, the complement: PCSK1 is on the minus strand). VCF-style: chr5-96408257-C-T. GRCh37 (hg19) VCF-style: chr5-95743961-C-T.
Other names: c.1021G>A, p.Ala341Thr (NM_001177875.2); c.-175+28605C>T (NM_001423254.1, NM_001423259.1, NM_001423255.1 and 6 more transcripts); c.-103+28605C>T (NM_001423253.1); c.-40+28605C>T (NM_001423258.1); short protein forms A388T, A341T.
Identifiers: ClinVar variation 4988399 (VCV004988399.1).